The following is an entry in ClinVar:

ClinVar aggregate classification (germline): Benign (1 of 4 stars; one submission).

Allele frequency attached by ClinVar (database versions not stated): 1000 Genomes Project 0.21705; gnomAD 0.16919.
gnomAD v4.1: 26,352 of 150,662 alleles (17%); highest among the groups gnomAD compares: East Asian, 36%; 2,491 homozygotes.

Submission:

GeneDx
Classification: Benign. Last evaluated: 2018-06-16. Review status: criteria provided, single submitter. Criteria: GeneDx Variant Classification (06012015). Collection method: clinical testing. Allele origin: germline. Affected: yes.
Comment: This variant is considered likely benign or benign based on one or more of the following criteria: it is a conservative change, it occurs at a poorly conserved position in the protein, it is predicted to be benign by multiple in silico algorithms, and/or has population frequency not consistent with disease.

NM_001127222.2(CACNA1A):c.2173-284T>A

Gene: CACNA1A (calcium voltage-gated channel subunit alpha1 A; minus strand). Cytogenetic location: 19p13.13.
Variant type: single nucleotide variant.
Coding change: c.2173-284T>A on transcript NM_001127222.2 (MANE Select); 284 bases into the intron before coding-DNA position 2173, T replaced by A.
Molecular consequence: intron variant.
Genome position (GRCh38, 1-based): chr19:13,300,940, A>T on the plus strand (T>A on the coding strand, the complement: CACNA1A is on the minus strand). VCF-style: chr19-13300940-A-T. GRCh37 (hg19) VCF-style: chr19-13411754-A-T.
Other names: c.2176-284T>A (NM_001127221.2, NM_001174080.2); c.2185-284T>A (NM_000068.4, NM_023035.3).
Identifiers: ClinVar variation 671155 (VCV000671155.1), dbSNP rs60965377, ClinGen allele CA305507266.
Genomic context (GRCh38, chr19:13,300,940, plus strand): 5'-CAGATAACAAAAAATAAAAATGTCCCTTCTCTTCCTACAATGAAGACTTTCCTGCAGCCT[A>T]TTTTTTTTTCTTTTGTTTGTTTTCAGAGACAGAGTCTCCCTTGGTTGCCCAGCCTGGAGT-3'